The following is an entry in ClinVar:

ClinVar aggregate classification (germline): Uncertain significance (1 of 4 stars; one submission).

Conditions:
Hajdu-Cheney syndrome (HJCYS). Also called: Acroosteolysis dominant type; ACROOSTEOLYSIS WITH OSTEOPOROSIS AND CHANGES IN SKULL AND MANDIBLE; SERPENTINE FIBULA-POLYCYSTIC KIDNEY SYNDROME. Identifiers: Orphanet 955, MedGen C0917715, MONDO:0007057, OMIM 102500.

Allele frequency attached by ClinVar (database versions not stated): gnomAD exomes 0.00002.
gnomAD v4.1: 29 of 1,614,224 alleles (0.0018%); highest among the groups gnomAD compares: Non-Finnish European, 0.0024%; no homozygotes.

Submission:

Labcorp Genetics (formerly Invitae), Labcorp
Classification: Uncertain significance for Hajdu-Cheney syndrome. Last evaluated: 2023-11-14. Review status: criteria provided, single submitter. Criteria: Invitae Variant Classification Sherloc (09022015). Collection method: clinical testing. Allele origin: germline.
Comment: This sequence change replaces isoleucine, which is neutral and non-polar, with valine, which is neutral and non-polar, at codon 1203 of the NOTCH2 protein (p.Ile1203Val). This variant is present in population databases (no rsID available, gnomAD 0.0009%). This variant has not been reported in the literature in individuals affected with NOTCH2-related conditions. Advanced modeling of protein sequence and biophysical properties (such as structural, functional, and spatial information, amino acid conservation, physicochemical variation, residue mobility, and thermodynamic stability) performed at Invitae indicates that this missense variant is not expected to disrupt NOTCH2 protein function with a negative predictive value of 80%. In summary, the available evidence is currently insufficient to determine the role of this variant in disease. Therefore, it has been classified as a Variant of Uncertain Significance.

NM_024408.4(NOTCH2):c.3607A>G (p.Ile1203Val)

Gene: NOTCH2 (notch receptor 2; minus strand). Cytogenetic location: 1p12.
Variant type: single nucleotide variant.
Coding change: c.3607A>G on transcript NM_024408.4 (MANE Select); coding-DNA position 3607, A replaced by G.
Protein change: p.Ile1203Val; replaces isoleucine 1203 with valine.
Molecular consequence: missense variant.
Genome position (GRCh38, 1-based): chr1:119,935,520, T>C on the plus strand (A>G on the coding strand, the complement: NOTCH2 is on the minus strand). VCF-style: chr1-119935520-T-C. GRCh37 (hg19) VCF-style: chr1-120478143-T-C.
Other names: c.3607A>G, p.Ile1203Val (NM_001200001.2); short protein forms I1203V.
Identifiers: ClinVar variation 2890076 (VCV002890076.3), dbSNP rs1553195628, ClinGen allele CA341851456.